The following is an entry in ClinVar:

NM_003803.4(MYOM1):c.75C>G (p.Thr25=)

Gene: MYOM1 (myomesin 1; minus strand). Cytogenetic location: 18p11.31.
Variant type: single nucleotide variant.
Coding change: c.75C>G on transcript NM_003803.4 (MANE Select); coding-DNA position 75, C replaced by G.
Protein change: p.Thr25=; no amino-acid change (threonine 25 retained).
Molecular consequence: synonymous variant.
Genome position (GRCh38, 1-based): chr18:3,215,149, G>C on the plus strand (C>G on the coding strand, the complement: MYOM1 is on the minus strand). VCF-style: chr18-3215149-G-C. GRCh37 (hg19) VCF-style: chr18-3215147-G-C.
Other names: c.75C>G, p.Thr25= (NM_019856.2).
Identifiers: ClinVar variation 1437733 (VCV001437733.8), dbSNP rs763316478, ClinGen allele CA8875368.

ClinVar aggregate classification (germline): Uncertain significance (1 of 4 stars; one submission).

Conditions:
Hypertrophic cardiomyopathy. Also called: HYPERTROPHIC MYOCARDIOPATHY. Identifiers: Orphanet 217569, MedGen C0007194, MeSH D002312, MONDO:0005045, HP:0001639.

Allele frequency attached by ClinVar (database versions not stated): gnomAD exomes below 0.00001.
gnomAD v4.1: 2 of 1,613,734 alleles (0.00012%); highest among the groups gnomAD compares: Non-Finnish European, 0.00017%; no homozygotes.

Submission:

Labcorp Genetics (formerly Invitae), Labcorp
Classification: Uncertain significance for Hypertrophic cardiomyopathy. Last evaluated: 2021-06-17. Review status: criteria provided, single submitter. Criteria: Invitae Variant Classification Sherloc (09022015). Collection method: clinical testing. Allele origin: germline.
Comment: This sequence change affects codon 25 of the MYOM1 mRNA. It is a 'silent' change, meaning that it does not change the encoded amino acid sequence of the MYOM1 protein. This variant is present in population databases (rs763316478, ExAC 0.002%). This variant has not been reported in the literature in individuals with MYOM1-related conditions. Algorithms developed to predict the effect of sequence changes on RNA splicing suggest that this variant may create or strengthen a splice site, but this prediction has not been confirmed by published transcriptional studies. In summary, the available evidence is currently insufficient to determine the role of this variant in disease. Therefore, it has been classified as a Variant of Uncertain Significance.